The following is an entry in ClinVar:

NM_001437.3(ESR2):c.506G>T (p.Cys169Phe)

Gene: ESR2 (estrogen receptor 2; minus strand). Cytogenetic location: 14q23.2.
Variant type: single nucleotide variant.
Coding change: c.506G>T on transcript NM_001437.3 (MANE Select); coding-DNA position 506, G replaced by T.
Protein change: p.Cys169Phe; replaces cysteine 169 with phenylalanine.
Molecular consequence: missense variant. On other transcripts: non-coding transcript variant (1).
Genome position (GRCh38, 1-based): chr14:64,280,010, C>A on the plus strand (G>T on the coding strand, the complement: ESR2 is on the minus strand). VCF-style: chr14-64280010-C-A. GRCh37 (hg19) VCF-style: chr14-64746728-C-A.
Other names: c.506G>T, p.Cys169Phe (NM_001040275.1, NM_001214902.1, NM_001271876.1 and 3 more transcripts); c.506G>T (NM_001437.2); short protein forms C169F.
Identifiers: ClinVar variation 2118977 (VCV002118977.5), dbSNP rs1273276574, ClinGen allele CA390117409.

ClinVar aggregate classification (germline): Uncertain significance. Review status: criteria provided, multiple submitters, no conflicts (2 of 4 stars). 2 submissions from 2 submitters: Uncertain significance (2). Last evaluated 2025-02-22.

Allele frequency attached by ClinVar (database versions not stated): gnomAD 0.00001; TOPMed 0.00001.
gnomAD v4.1: 4 of 1,614,062 alleles (0.00025%); highest among the groups gnomAD compares: Non-Finnish European, 0.00034%; no homozygotes.

Submissions (2):

Ambry Genetics
Classification: Uncertain significance. Last evaluated: 2025-02-22. Review status: criteria provided, single submitter. Criteria: Ambry Variant Classification Scheme 2023. Collection method: clinical testing. Allele origin: germline.

Labcorp Genetics (formerly Invitae), Labcorp
Classification: Uncertain significance. Last evaluated: 2023-08-04. Review status: criteria provided, single submitter. Criteria: Invitae Variant Classification Sherloc (09022015). Collection method: clinical testing. Allele origin: germline.
Comment: In summary, the available evidence is currently insufficient to determine the role of this variant in disease. Therefore, it has been classified as a Variant of Uncertain Significance. Algorithms developed to predict the effect of sequence changes on RNA splicing suggest that this variant may disrupt the consensus splice site. Advanced modeling of protein sequence and biophysical properties (such as structural, functional, and spatial information, amino acid conservation, physicochemical variation, residue mobility, and thermodynamic stability) performed at Invitae indicates that this missense variant is expected to disrupt ESR2 protein function. ClinVar contains an entry for this variant (Variation ID: 2118977). This variant has not been reported in the literature in individuals affected with ESR2-related conditions. This variant is not present in population databases (gnomAD no frequency). This sequence change replaces cysteine, which is neutral and slightly polar, with phenylalanine, which is neutral and non-polar, at codon 169 of the ESR2 protein (p.Cys169Phe).